The following is an entry in ClinVar:

NM_018076.5(ODAD2):c.1143-5dup

Gene: ODAD2 (outer dynein arm docking complex subunit 2; minus strand). Cytogenetic location: 10p12.1.
Variant type: Duplication.
Coding change: c.1143-5dup on transcript NM_018076.5 (MANE Select); 5 bases into the intron before coding-DNA position 1143, one base duplicated (T; older notation c.1143-5dupT).
Molecular consequence: intron variant.
Genome position (GRCh38, 1-based): chr10:27,969,023, A duplicated on the plus strand (T on the coding strand, the reverse complement: ODAD2 is on the minus strand); the first of 7 consecutive A bases (chr10:27,969,023-27,969,029); duplicating any one gives the same sequence. VCF-style (leftmost placement, unchanged base first): chr10-27969022-T-TA. GRCh37 (hg19) VCF-style: chr10-28257951-T-TA.
Other names: c.1143-5dup (NM_001290020.2); c.219-5dup (NM_001312689.2); c.-187-7308dup (NM_001290021.2).
Identifiers: ClinVar variation 3051094 (VCV003051094.2), dbSNP rs1216530452, ClinGen allele CA592406334.

ClinVar aggregate classification (germline): Likely benign (0 of 4 stars; one submission).

Conditions:
ODAD2-related disorder. Also called: ODAD2-related condition.

Submission:

PreventionGenetics, part of Exact Sciences
Classification: Likely benign for ODAD2-related condition. Last evaluated: 2020-02-20. Review status: no assertion criteria provided. Collection method: clinical testing. Allele origin: germline.
Comment: This variant is classified as likely benign based on ACMG/AMP sequence variant interpretation guidelines (Richards et al. 2015 PMID: 25741868, with internal and published modifications).